The following is an entry in ClinVar:

NM_145239.3(PRRT2):c.412C>G (p.Pro138Ala)

Genes: PRRT2 (proline rich transmembrane protein 2; plus strand), MVP-DT (MVP divergent transcript; minus strand). Cytogenetic location: 16p11.2.
Variant type: single nucleotide variant.
Coding change: c.412C>G on transcript NM_145239.3 (MANE Select); coding-DNA position 412, C replaced by G.
Protein change: p.Pro138Ala; replaces proline 138 with alanine.
Molecular consequence: missense variant.
Genome position (GRCh38, 1-based): chr16:29,813,466, C>G. VCF-style: chr16-29813466-C-G. GRCh37 (hg19) VCF-style: chr16-29824787-C-G.
Other names: p.P138A:CCT>GCT; c.412C>G, p.Pro138Ala (NM_001256442.2, NM_001256443.2); short protein forms P138A.
Identifiers: ClinVar variation 130038 (VCV000130038.28), dbSNP rs79182085, ClinGen allele CA289005.

ClinVar aggregate classification (germline): Benign. Review status: criteria provided, multiple submitters, no conflicts (2 of 4 stars). 11 submissions from 11 submitters: Benign (10). 1 of the submissions does not count toward it. Last evaluated 2026-02-03.

Conditions:
Inborn genetic diseases. Identifiers: MedGen C0950123, MeSH D030342.
Episodic kinesigenic dyskinesia (EKD). Also called: Paroxysmal kinesigenic dyskinesia. Identifiers: Orphanet 98809, MedGen C1868682, MONDO:0044202.
Episodic kinesigenic dyskinesia 1 (EKD1). Also called: PAROXYSMAL KINESIGENIC CHOREOATHETOSIS; PRRT2-Related Paroxysmal Kinesigenic Dyskinesia (PKD); PxMD-PRRT2; Dystonia 10; DYSTONIA, FAMILIAL PAROXYSMAL. Identifiers: Orphanet 98809, MedGen C4552000, MONDO:0100352, OMIM 128200, MONDO:0007494.

Allele frequency attached by ClinVar (database versions not stated): ESP Exome Variant Server 0.00139; gnomAD 0.00560 and 0.00798; 1000 Genomes Project 0.02955; gnomAD exomes 0.00778; TOPMed 0.01036; 1000 Genomes Project 30x 0.02670.

Submissions (11):

Labcorp Genetics (formerly Invitae), Labcorp
Classification: Benign for Episodic kinesigenic dyskinesia. Last evaluated: 2026-02-03. Review status: criteria provided, single submitter. Criteria: Invitae Variant Classification Sherloc (09022015). Collection method: clinical testing. Allele origin: germline.

Mayo Clinic Laboratories, Mayo Clinic
Classification: Benign. Last evaluated: 2023-05-04. Review status: criteria provided, single submitter. Criteria: ACMG Guidelines, 2015. Collection method: clinical testing. Allele origin: germline. Observed: 45 variant alleles.
Comment: BA1, BP4

Mendelics
Classification: Benign for Episodic kinesigenic dyskinesia 1. Last evaluated: 2019-05-28. Review status: criteria provided, single submitter. Criteria: Mendelics Assertion Criteria 2017. Collection method: clinical testing. Allele origin: unknown.

GeneDx
Classification: Benign. Last evaluated: 2018-11-21. Review status: criteria provided, single submitter. Criteria: GeneDx Variant Classification Process June 2021. Collection method: clinical testing. Allele origin: germline. Affected: yes.
Comment: This variant is associated with the following publications: (PMID: 23063574, 23496026, 28525812, 23529024, 23436308, 22101681, 23532549, 25522171, 31124310)

Athena Diagnostics
Classification: Benign. Last evaluated: 2018-09-04. Review status: criteria provided, single submitter. Criteria: Athena Diagnostics Criteria. Collection method: clinical testing. Allele origin: germline.

Center for Pediatric Genomic Medicine, Children's Mercy Hospital and Clinics
Classification: Benign. Last evaluated: 2016-11-16. Review status: criteria provided, single submitter. Criteria: ACMG Guidelines, 2015. Collection method: clinical testing. Allele origin: germline.

Ambry Genetics
Classification: Benign for Inborn genetic diseases. Last evaluated: 2016-02-25. Review status: criteria provided, single submitter. Criteria: Ambry Variant Classification Scheme 2023. Collection method: clinical testing. Allele origin: germline.

Eurofins Ntd Llc (ga)
Classification: Benign. Last evaluated: 2014-04-07. Review status: criteria provided, single submitter. Criteria: EGL Classification Definitions 2015. Collection method: clinical testing. Allele origin: germline. Observed: 3 variant alleles, 3 heterozygotes.

Breakthrough Genomics
Classification: Benign. Review status: criteria provided, single submitter. Criteria: ACMG Guidelines, 2015. Collection method: not provided. Allele origin: germline. Inheritance: Autosomal dominant inheritance. Affected: yes.

PreventionGenetics, part of Exact Sciences
Classification: Benign. Review status: criteria provided, single submitter. Criteria: ACMG Guidelines, 2015. Collection method: clinical testing. Allele origin: germline.

Genetic Services Laboratory, University of Chicago
Classification: Likely benign for AllHighlyPenetrant. Review status: no assertion criteria provided. Collection method: clinical testing. Allele origin: germline. Inheritance: Autosomal dominant inheritance. Not counted in ClinVar's aggregate classification.
Comment: Likely benign based on allele frequency in 1000 Genomes Project or ESP global frequency and its presence in a patient with a rare or unrelated disease phenotype. NOT Sanger confirmed.

Literature cited by the submitters: PubMed 25522171 (cited by Athena Diagnostics); PubMed 28525812 (cited by Athena Diagnostics); PubMed 23529024 (cited by Athena Diagnostics); PubMed 23496026 (cited by Athena Diagnostics); PubMed 23436308 (cited by Athena Diagnostics); PubMed 22101681 (cited by Athena Diagnostics); PubMed 23063574 (cited by Athena Diagnostics); PubMed 24594579 (cited by Athena Diagnostics); PubMed 23077024 (cited by Athena Diagnostics).